The following is an entry in ClinVar:

NM_174936.4(PCSK9):c.876G>T (p.Gly292=)

Gene: PCSK9 (proprotein convertase subtilisin/kexin type 9; plus strand). Cytogenetic location: 1p32.3.
Variant type: single nucleotide variant.
Coding change: c.876G>T on transcript NM_174936.4 (MANE Select); coding-DNA position 876, G replaced by T.
Protein change: p.Gly292=; no amino-acid change (glycine 292 retained).
Molecular consequence: synonymous variant. On other transcripts: non-coding transcript variant (8).
Genome position (GRCh38, 1-based): chr1:55,056,069, G>T. VCF-style: chr1-55056069-G-T. GRCh37 (hg19) VCF-style: chr1-55521742-G-T.
Other names: c.999G>T, p.Gly333= (NM_001407240.1); c.876G>T, p.Gly292= (NM_001407241.1, NM_001407244.1, NM_001407247.1); c.879G>T, p.Gly293= (NM_001407242.1); c.819G>T, p.Gly273= (NM_001407243.1); c.684G>T, p.Gly228= (NM_001407245.1); c.501G>T, p.Gly167= (NM_001407246.1).
Identifiers: ClinVar variation 921719 (VCV000921719.10), dbSNP rs1012650815, ClinGen allele CA22762711.

ClinVar aggregate classification (germline): Likely benign. Review status: criteria provided, multiple submitters, no conflicts (2 of 4 stars). 4 submissions from 4 submitters: Likely benign (4). Last evaluated 2024-08-14.

Conditions:
Familial hypercholesterolemia. Also called: Familial hypercholesterolemias; Familial hypercholesterolaemia. Identifiers: MedGen C0020445, MONDO:0005439.
Hypercholesterolemia, autosomal dominant, 3 (FHCL3). Also called: Familial hypercholesterolemia 3; Familial Hypercholesterolemia, Autosomal Dominant, 3; PCSK9-Related Familial Hypercholesterolemia, Autosomal Dominant. Identifiers: MedGen C1863551, MONDO:0011369, OMIM 603776.

gnomAD v4.1: 4 of 1,601,480 alleles (0.00025%); highest among the groups gnomAD compares: Non-Finnish European, 0.00026%; no homozygotes.

Submissions (4):

GENinCode PLC
Classification: Likely benign for Familial hypercholesterolemia. Last evaluated: 2024-08-14. Review status: criteria provided, single submitter. Criteria: ACMG Guidelines, 2015. Collection method: clinical testing. Allele origin: germline.
Comment: This is a synonymous (silent) variant that is not predicted by SpliceAI to impact splicing. In addition, it occurs at a nucleotide that is not conserved. Therefore this variant has been classified as Likely Benign (BP4, BP7).

All of Us Research Program, National Institutes of Health
Classification: Likely benign for Hypercholesterolemia, autosomal dominant, 3. Last evaluated: 2023-12-13. Review status: criteria provided, single submitter. Criteria: ACMG Guidelines, 2015. Collection method: clinical testing. Allele origin: germline. Inheritance: Autosomal dominant inheritance. Observed: 2 variant alleles, 2 heterozygotes.
Comment: This study involves interpretation of variants in research participants for the purpose of population health screening. Participant phenotype was not available at the time of variant classification. Additional details can be found in publication PMID: 35346344, PMCID: PMC8962531

Labcorp Genetics (formerly Invitae), Labcorp
Classification: Likely benign for Hypercholesterolemia, autosomal dominant, 3. Last evaluated: 2022-05-19. Review status: criteria provided, single submitter. Criteria: Invitae Variant Classification Sherloc (09022015). Collection method: clinical testing. Allele origin: germline.

Color Diagnostics, LLC DBA Color Health
Classification: Likely benign for Familial hypercholesterolemia. Last evaluated: 2020-02-09. Review status: criteria provided, single submitter. Criteria: ACMG Guidelines, 2015. Collection method: clinical testing. Allele origin: germline.